The following is an entry in ClinVar:

NM_020795.4(NLGN2):c.58G>A (p.Gly20Ser)

Gene: NLGN2 (neuroligin 2; plus strand). Cytogenetic location: 17p13.1.
Variant type: single nucleotide variant.
Coding change: c.58G>A on transcript NM_020795.4 (MANE Select); coding-DNA position 58, G replaced by A.
Protein change: p.Gly20Ser; replaces glycine 20 with serine.
Molecular consequence: missense variant.
Genome position (GRCh38, 1-based): chr17:7,408,313, G>A. VCF-style: chr17-7408313-G-A. GRCh37 (hg19) VCF-style: chr17-7311632-G-A.
Other names: short protein forms G20S.
Identifiers: ClinVar variation 3363760 (VCV003363760.2).

ClinVar aggregate classification (germline): Uncertain significance (1 of 4 stars; one submission).

Submission:

GeneDx
Classification: Uncertain significance. Last evaluated: 2025-11-14. Review status: criteria provided, single submitter. Criteria: GeneDx Variant Classification Process June 2021. Collection method: clinical testing. Allele origin: germline.
Comment: Not observed at significant frequency in large population cohorts (gnomAD); In silico analysis supports that this missense variant does not alter protein structure/function; Has not been previously published as pathogenic or benign to our knowledge